The following is an entry in ClinVar:

NM_002067.5(GNA11):c.542G>C (p.Arg181Pro)

Gene: GNA11 (G protein subunit alpha 11; plus strand). Cytogenetic location: 19p13.3.
Variant type: single nucleotide variant.
Coding change: c.542G>C on transcript NM_002067.5 (MANE Select); coding-DNA position 542, G replaced by C.
Protein change: p.Arg181Pro; replaces arginine 181 with proline.
Molecular consequence: missense variant.
Genome position (GRCh38, 1-based): chr19:3,115,009, G>C. VCF-style: chr19-3115009-G-C. GRCh37 (hg19) VCF-style: chr19-3115007-G-C.
Other names: short protein forms R181P.
Identifiers: ClinVar variation 3900565 (VCV003900565.1).

ClinVar aggregate classification (germline): Uncertain significance (1 of 4 stars; one submission).

Submission:

GeneDx
Classification: Uncertain significance. Last evaluated: 2024-11-20. Review status: criteria provided, single submitter. Criteria: GeneDx Variant Classification Process June 2021. Collection method: clinical testing. Allele origin: germline. Affected: yes.
Comment: Not observed at significant frequency in large population cohorts (gnomAD); In silico analysis supports that this missense variant has a deleterious effect on protein structure/function; Has not been previously published as pathogenic or benign to our knowledge